The following is an entry in ClinVar:

NM_139076.3(ABRAXAS1):c.773G>C (p.Arg258Thr)

Gene: ABRAXAS1 (abraxas 1, BRCA1 A complex subunit; minus strand). Cytogenetic location: 4q21.23.
Variant type: single nucleotide variant.
Coding change: c.773G>C on transcript NM_139076.3 (MANE Select); coding-DNA position 773, G replaced by C.
Protein change: p.Arg258Thr; replaces arginine 258 with threonine.
Molecular consequence: missense variant.
Genome position (GRCh38, 1-based): chr4:83,463,517, C>G on the plus strand (G>C on the coding strand, the complement: ABRAXAS1 is on the minus strand). VCF-style: chr4-83463517-C-G. GRCh37 (hg19) VCF-style: chr4-84384670-C-G.
Other names: c.446G>C, p.Arg149Thr (NM_001345962.2); short protein forms R258T, R149T.
Identifiers: ClinVar variation 411326 (VCV000411326.10), dbSNP rs1060503254, ClinGen allele CA16611732.

ClinVar aggregate classification (germline): Uncertain significance (1 of 4 stars; one submission).

gnomAD v4.1: 2 of 1,609,760 alleles (0.00012%); highest among the groups gnomAD compares: Non-Finnish European, 0.00017%; no homozygotes.

Submission:

Labcorp Genetics (formerly Invitae), Labcorp
Classification: Uncertain significance. Last evaluated: 2020-01-02. Review status: criteria provided, single submitter. Criteria: Invitae Variant Classification Sherloc (09022015). Collection method: clinical testing. Allele origin: germline.
Comment: This variant has not been reported in the literature in individuals with FAM175A-related disease. ClinVar contains an entry for this variant (Variation ID: 411326). This variant is not present in population databases (ExAC no frequency). This sequence change replaces arginine with threonine at codon 258 of the FAM175A protein (p.Arg258Thr). The arginine residue is weakly conserved and there is a moderate physicochemical difference between arginine and threonine. Algorithms developed to predict the effect of missense changes on protein structure and function do not agree on the potential impact of this missense change (SIFT: "Deleterious"; PolyPhen-2: "Benign"; Align-GVGD: "Class C0"). In summary, the available evidence is currently insufficient to determine the role of this variant in disease. Therefore, it has been classified as a Variant of Uncertain Significance.